The following is an entry in ClinVar:

ClinVar aggregate classification (germline): Uncertain significance (1 of 4 stars; one submission).

gnomAD v4.1: 31 of 1,612,474 alleles (0.0019%); highest among the groups gnomAD compares: Non-Finnish European, 0.0025%; no homozygotes.

Submission:

Labcorp Genetics (formerly Invitae), Labcorp
Classification: Uncertain significance. Last evaluated: 2025-10-02. Review status: criteria provided, single submitter. Criteria: Invitae Variant Classification Sherloc (09022015). Collection method: clinical testing. Allele origin: germline.
Comment: This sequence change replaces leucine, which is neutral and non-polar, with valine, which is neutral and non-polar, at codon 710 of the CLCN6 protein (p.Leu710Val). This variant is not present in population databases (gnomAD no frequency). This variant has not been reported in the literature in individuals affected with CLCN6-related conditions. ClinVar contains an entry for this variant (Variation ID: 1428367). An algorithm developed to predict the effect of missense changes on protein structure and function (PolyPhen-2) suggests that this variant is likely to be disruptive. In summary, the available evidence is currently insufficient to determine the role of this variant in disease. Therefore, it has been classified as a Variant of Uncertain Significance.

NM_001286.5(CLCN6):c.2128C>G (p.Leu710Val)

Gene: CLCN6 (chloride voltage-gated channel 6; plus strand). Cytogenetic location: 1p36.22.
Variant type: single nucleotide variant.
Coding change: c.2128C>G on transcript NM_001286.5 (MANE Select); coding-DNA position 2128, C replaced by G.
Protein change: p.Leu710Val; replaces leucine 710 with valine.
Molecular consequence: missense variant. On other transcripts: non-coding transcript variant (1).
Genome position (GRCh38, 1-based): chr1:11,837,146, C>G. VCF-style: chr1-11837146-C-G. GRCh37 (hg19) VCF-style: chr1-11897203-C-G.
Other names: c.2062C>G, p.Leu688Val (NM_001256959.2); short protein forms L688V, L710V.
Identifiers: ClinVar variation 1428367 (VCV001428367.8), dbSNP rs150177184, ClinGen allele CA338440204.
Genomic context (GRCh38, chr1:11,837,146, plus strand): 5'-TGTGATGAGCACATCGCCTCTGAGGAGCCAGCCGAGAAGGAGGACCTCCTGCAGCAGATG[C>G]TGGAAAGGAGGTGAGAGCCTGGCGGGGCCCCCACTGCCCGCAGGGCTACACAGCGGTGGG-3'
Protein context (NP_001277.2, residues 700-720): AEKEDLLQQM[Leu710Val]ERRYTPYPNL